The following is an entry in ClinVar:

NM_003072.5(SMARCA4):c.1717del (p.Ala573fs)

Gene: SMARCA4 (SWI/SNF related BAF chromatin remodeling complex subunit ATPase 4; plus strand). Cytogenetic location: 19p13.2.
Variant type: Deletion.
Coding change: c.1717del on transcript NM_003072.5 (MANE Select); coding-DNA position 1717, one base deleted (G; older notation c.1717delG).
Protein change: p.Ala573fs; shifts the reading frame from alanine 573.
Molecular consequence: frameshift variant. On other transcripts: non-coding transcript variant (1).
Genome position (GRCh38, 1-based): chr19:10,996,336, G deleted; the last of 2 consecutive G bases (chr19:10,996,335-10,996,336); deleting either gives the same sequence. VCF-style (leftmost placement, unchanged base first): chr19-10996334-AG-A. GRCh37 (hg19) VCF-style: chr19-11107010-AG-A.
Other names: c.1717del, p.Ala573fs (NM_001128844.3, NM_001128845.2, NM_001128846.2 and 5 more transcripts); c.1717delG, p.Ala573Leufs (NM_001411150.1); short protein forms A573fs.
Identifiers: ClinVar variation 1778654 (VCV001778654.2), dbSNP rs2514299816, ClinGen allele CA2580096234.
Genomic context (GRCh38, chr19:10,996,334, plus strand): 5'-ACCTCTTGCAGCAGACAGACGAGTACGTGGCTAACCTCACGGAGCTGGTGCGGCAGCACA[AG>A]GCTGCCCAGGTCGCCAAGGAGAAAAAGAAGAAAAAGAAAAAGAAGGTGTGCTGGGCCTGG-3'

ClinVar aggregate classification (germline): Pathogenic (1 of 4 stars; one submission).

Conditions:
Hereditary cancer-predisposing syndrome. Also called: Neoplastic Syndromes, Hereditary; Tumor predisposition; Hereditary Cancer Syndrome; Hereditary neoplastic syndrome. Identifiers: Orphanet 140162, MedGen C0027672, MeSH D009386, MONDO:0015356.

Submission:

Ambry Genetics
Classification: Pathogenic for Hereditary cancer-predisposing syndrome. Last evaluated: 2022-08-16. Review status: criteria provided, single submitter. Criteria: Ambry Variant Classification Scheme 2023. Collection method: clinical testing. Allele origin: germline.
Comment: The c.1717delG pathogenic mutation, located in coding exon 9 of the SMARCA4 gene, results from a deletion of one nucleotide at nucleotide position 1717, causing a translational frameshift with a predicted alternate stop codon (p.A573Lfs*40). This alteration is expected to result in loss of function by premature protein truncation or nonsense-mediated mRNA decay. This variant is considered to be rare based on population cohorts in the Genome Aggregation Database (gnomAD). Loss-of-function variants in SMARCA4 are known to cause rhabdoid tumor predisposition syndrome including small cell carcinoma of the ovary-hypercalcemic type (SCCOHT); however, such associations with neurodevelopmental disorders are exceedingly rare (Kosho T et al. Am J Med Genet C Semin Med Genet. 2014 Sep;166C(3):262-75; Jelinic P et al. Nat Genet. 2014 May;46(5):424-6). Based on the supporting evidence, this alteration is pathogenic for rhabdoid tumor predisposition syndrome; however, the association of this alteration with Coffin-Siris syndrome is unlikely.